The following is an entry in ClinVar:

NM_001846.4(COL4A2):c.4049G>A (p.Gly1350Asp)

Genes: COL4A2 (collagen type IV alpha 2 chain; plus strand), COL4A2-AS1 (COL4A2 antisense RNA 1; minus strand). Cytogenetic location: 13q34.
Variant type: single nucleotide variant.
Coding change: c.4049G>A on transcript NM_001846.4 (MANE Select); coding-DNA position 4049, G replaced by A.
Protein change: p.Gly1350Asp; replaces glycine 1350 with aspartic acid.
Molecular consequence: missense variant.
Genome position (GRCh38, 1-based): chr13:110,503,392, G>A. VCF-style: chr13-110503392-G-A. GRCh37 (hg19) VCF-style: chr13-111155739-G-A.
Other names: short protein forms G1350D.
Identifiers: ClinVar variation 1172813 (VCV001172813.9), dbSNP rs2139552522, ClinGen allele CA388736552.
Genomic context (GRCh38, chr13:110,503,392, plus strand): 5'-AGCCCCCTCCCCACAGACTTTCGTGTCCCTAACGTCTTGTTTGTGTTGCAGGGCCCAGGG[G>A]TGAACAAGGCTTCATGGGGAACACTGGACCCACTGGGGCGGTGGGCGACAGAGGCCCCAA-3'
Protein context (NP_001837.2, residues 1340-1360): FGLPGEKGPR[Gly1350Asp]EQGFMGNTGP

ClinVar aggregate classification (germline): Conflicting classifications of pathogenicity. Review status: criteria provided, conflicting classifications (1 of 4 stars). 3 submissions from 3 submitters: Likely pathogenic (2); Uncertain significance (1). Last evaluated 2026-07-16.

Conditions:
Brain small vessel disease 2A, autosomal dominant. Also called: Porencephaly 2. Identifiers: Orphanet 2940, Orphanet 99810, MedGen C3280970, MONDO:0013773, OMIM 614483.
Cerebral palsy. Identifiers: MedGen C0007789, MONDO:0006497, HP:0100021.

gnomAD v4.1: 1 of 1,599,304 alleles (0.000063%); highest among the groups gnomAD compares: Non-Finnish European, 0.000085%; no homozygotes.

Submissions (3):

Victorian Clinical Genetics Services, Murdoch Childrens Research Institute
Classification: Likely pathogenic for Brain small vessel disease 2A, autosomal dominant. Last evaluated: 2026-07-16. Review status: criteria provided, single submitter. Criteria: ACMG Guidelines, 2015. Collection method: clinical testing. Allele origin: germline. Affected: yes.
Comment: This variant is classified as Likely pathogenic. Evidence in support of pathogenic classification: This variant is present in gnomAD <0.001 for a dominant condition (v4: 1 heterozygote(s), 0 homozygote(s)); This variant has limited previous evidence of pathogenicity in an individual. It was considered likely pathogenic in a term baby with spastic hemiplegia and a right-sided porencephalic cyst, and segregation testing indicated that it was maternally inherited (PMID: 34531397); Variant is located in the well-established Gly-X-Y motif in the collagen triple helical domain (DECIPHER); Missense variant predicted to be damaging by in silico tool(s) and/or highly conserved with a major amino acid change. Additional information: This variant is predicted to result in a missense amino acid change from Gly to Asp; This variant is heterozygous; This gene is associated with autosomal dominant disease. However, there is emerging evidence of biallelic inheritance leading to intellectual disability, epilepsy, and spastic cerebral palsy (PMID: 33912663); Alternative amino acid change(s) at the same position are present in gnomAD (highest allele count: v4: 1 heterozygote(s), 0 homozygote(s)); No published evidence of segregation with disease has been identified for this variant; No published functional evidence has been identified for this variant; No comparable variants have previous evidence for pathogenicity; The mechanism of disease for this gene is not clearly established. The mechanism resembles that of the COL4A1 gene, including loss of function and dominant negative, with the latter resulting from glycine substitutions in the G-X-Y motif (PMIDs: 22209246, 22209247, 24001601); The condition associated with this gene has incomplete penetrance (OMIM, PMID: 33912663); Variants in this gene are known to have variable expressivity (PMID: 27794444); Inheritance information for this variant is not currently available in this individual.

Neurogenetics Research Program, University of Adelaide
Classification: Likely pathogenic for Cerebral palsy. Last evaluated: 2021-06-10. Review status: criteria provided, single submitter. Criteria: ACMG Guidelines, 2015. Collection method: research. Allele origin: maternal. Affected: yes. Observed: 1 variant allele.
Comment: Alters glycine residue in Triple helix domain.

Labcorp Genetics (formerly Invitae), Labcorp
Classification: Uncertain significance. Last evaluated: 2021-03-15. Review status: criteria provided, single submitter. Criteria: Invitae Variant Classification Sherloc (09022015). Collection method: clinical testing. Allele origin: germline.
Comment: In summary, the available evidence is currently insufficient to determine the role of this variant in disease. Therefore, it has been classified as a Variant of Uncertain Significance. Advanced modeling of protein sequence and biophysical properties (such as structural, functional, and spatial information, amino acid conservation, physicochemical variation, residue mobility, and thermodynamic stability) performed at Invitae indicates that this missense variant is expected to disrupt COL4A2 protein function. This variant has not been reported in the literature in individuals with COL4A2-related conditions. This variant is not present in population databases (ExAC no frequency). This sequence change replaces glycine with aspartic acid at codon 1350 of the COL4A2 protein (p.Gly1350Asp). The glycine residue is highly conserved and there is a moderate physicochemical difference between glycine and aspartic acid.

Literature cited by the submitters: PubMed 24001601 (cited by Victorian Clinical Genetics Services, Murdoch Childrens Research Institute); PubMed 27794444 (cited by Victorian Clinical Genetics Services, Murdoch Childrens Research Institute); PubMed 22209246 (cited by Victorian Clinical Genetics Services, Murdoch Childrens Research Institute); PubMed 33912663 (cited by Victorian Clinical Genetics Services, Murdoch Childrens Research Institute); PubMed 34531397 (cited by Victorian Clinical Genetics Services, Murdoch Childrens Research Institute); PubMed 22209247 (cited by Victorian Clinical Genetics Services, Murdoch Childrens Research Institute).